The following is an entry in ClinVar:

ClinVar aggregate classification (germline): Benign/Likely benign. Review status: criteria provided, multiple submitters, no conflicts (2 of 4 stars). 5 submissions from 5 submitters: Benign (2); Likely benign (3). Last evaluated 2024-04-01.

Conditions:
Inborn genetic diseases. Identifiers: MedGen C0950123, MeSH D030342.

Allele frequency attached by ClinVar (database versions not stated): 1000 Genomes Project 0.00020; 1000 Genomes Project 30x 0.00031; gnomAD exomes 0.00042 and 0.00075; gnomAD 0.00054 and 0.00057; TOPMed 0.00056; ExAC 0.00064; ESP Exome Variant Server 0.00100.
gnomAD v4.1: 736 of 1,613,938 alleles (0.046%); highest among the groups gnomAD compares: East Asian, 0.1%; 3 homozygotes.

Submissions (5):

CeGaT Center for Human Genetics Tuebingen
Classification: Likely benign. Last evaluated: 2024-04-01. Review status: criteria provided, single submitter. Criteria: CeGaT Center For Human Genetics Tuebingen Variant Classification Criteria Version 2. Collection method: clinical testing. Allele origin: germline. Affected: yes. Observed: 3 variant alleles.
Comment: TRIO: BP4, BS1

Ambry Genetics
Classification: Benign for Inborn genetic diseases. Last evaluated: 2021-12-10. Review status: criteria provided, single submitter. Criteria: Ambry Variant Classification Scheme 2023. Collection method: clinical testing. Allele origin: germline.

GeneDx
Classification: Benign. Last evaluated: 2020-01-02. Review status: criteria provided, single submitter. Criteria: GeneDx Variant Classification Process June 2021. Collection method: clinical testing. Allele origin: germline. Affected: yes.

Labcorp Genetics (formerly Invitae), Labcorp
Classification: Likely benign. Last evaluated: 2019-12-31. Review status: criteria provided, single submitter. Criteria: Invitae Variant Classification Sherloc (09022015). Collection method: clinical testing. Allele origin: germline.

Breakthrough Genomics
Classification: Likely benign. Review status: criteria provided, single submitter. Criteria: ACMG Guidelines, 2015. Collection method: not provided. Allele origin: germline. Inheritance: Autosomal dominant inheritance. Affected: yes.

NM_007118.4(TRIO):c.1217A>G (p.Asn406Ser)

Gene: TRIO (trio Rho guanine nucleotide exchange factor; plus strand). Cytogenetic location: 5p15.2.
Variant type: single nucleotide variant.
Coding change: c.1217A>G on transcript NM_007118.4 (MANE Select); coding-DNA position 1217, A replaced by G.
Protein change: p.Asn406Ser; replaces asparagine 406 with serine.
Molecular consequence: missense variant. On other transcripts: non-coding transcript variant (1).
Genome position (GRCh38, 1-based): chr5:14,297,112, A>G. VCF-style: chr5-14297112-A-G. GRCh37 (hg19) VCF-style: chr5-14297221-A-G.
Other names: short protein forms N406S.
Identifiers: ClinVar variation 736954 (VCV000736954.33), dbSNP rs138722140, ClinGen allele CA3205588.
Genomic context (GRCh38, chr5:14,297,112, plus strand): 5'-TTTTCCTGCCCACTTTCCAGAACGTGTATGTAAATATAAACCGCATCATGTCGGTGGCCA[A>G]TCGTCTGGTGGAGTCTGGCCACTATGCCTCGCAGCAGATCAGGCAGATCGCGAGTCAGCT-3'
Protein context (NP_009049.2, residues 396-416): VNINRIMSVA[Asn406Ser]RLVESGHYAS